The following is an entry in ClinVar:

ClinVar aggregate classification (germline): Conflicting classifications of pathogenicity. Review status: criteria provided, conflicting classifications (1 of 4 stars). 6 submissions from 6 submitters: Uncertain significance (1); Likely benign (5). Last evaluated 2025-08-18.

Conditions:
Hereditary cancer-predisposing syndrome. Also called: Neoplastic Syndromes, Hereditary; Hereditary Cancer Syndrome; Tumor predisposition; Hereditary neoplastic syndrome. Identifiers: Orphanet 140162, MedGen C0027672, MeSH D009386, MONDO:0015356.
Ataxia-telangiectasia syndrome (AT). Also called: LOUIS-BAR SYNDROME; Cerebello-oculocutaneous telangiectasia; Immunodeficiency with ataxia telangiectasia; Ataxia-telangiectasia, complementation group D; AT, COMPLEMENTATION GROUP C; Ataxia-telangiectasia, complementation group E. Identifiers: Orphanet 100, MedGen C0004135, MONDO:0008840, OMIM 208900.
Familial cancer of breast. Also called: Hereditary breast cancer; BREAST CANCER, FAMILIAL; hereditary breast carcinoma. Identifiers: Orphanet 227535, MedGen C0346153, MONDO:0016419, OMIM 114480. Disease mechanism: loss of function.

Allele frequency attached by ClinVar (database versions not stated): TOPMed below 0.00001; gnomAD exomes 0.00001.
gnomAD v4.1: 14 of 1,611,458 alleles (0.00087%); highest among the groups gnomAD compares: African/African-American, 0.0013%; no homozygotes.

Submissions (6):

Labcorp Genetics (formerly Invitae), Labcorp
Classification: Likely benign for Ataxia-telangiectasia syndrome. Last evaluated: 2025-08-18. Review status: criteria provided, single submitter. Criteria: Invitae Variant Classification Sherloc (09022015). Collection method: clinical testing. Allele origin: germline.

Women's Health and Genetics/Laboratory Corporation of America, LabCorp
Classification: Likely benign. Last evaluated: 2025-04-16. Review status: criteria provided, single submitter. Criteria: LabCorp Variant Classification Summary - May 2015. Collection method: clinical testing. Allele origin: germline.

Myriad Genetics, Inc.
Classification: Likely benign for Familial cancer of breast. Last evaluated: 2024-05-28. Review status: criteria provided, single submitter. Criteria: Myriad Autosomal Dominant, Autosomal Recessive and X-Linked Classification Criteria (2023). Collection method: clinical testing. Allele origin: unknown.
Comment: This variant is considered likely benign. This variant is intronic and is not expected to impact mRNA splicing.

Athena Diagnostics
Classification: Likely benign. Last evaluated: 2024-01-23. Review status: criteria provided, single submitter. Criteria: Athena Diagnostics Criteria. Collection method: clinical testing. Allele origin: unknown.

Color Diagnostics, LLC DBA Color Health
Classification: Likely benign for Hereditary cancer-predisposing syndrome. Last evaluated: 2017-09-22. Review status: criteria provided, single submitter. Criteria: ACMG Guidelines, 2015. Collection method: clinical testing. Allele origin: germline.

Ambry Genetics
Classification: Uncertain significance for Hereditary cancer-predisposing syndrome. Last evaluated: 2015-03-12. Review status: criteria provided, single submitter. Criteria: Ambry Variant Classification Scheme 2023. Collection method: clinical testing. Allele origin: germline.
Comment: The c.5918+8A>C intronic alteration consists of a A to C substitution nucleotides after coding exon 38 in the ATM gene. Based on insufficient or conflicting evidence, the clinical significance of this alteration remains unclear.

NM_000051.4(ATM):c.5918+8A>C

Genes: ATM (ATM serine/threonine kinase; plus strand), C11orf65 (chromosome 11 open reading frame 65; minus strand). Cytogenetic location: 11q22.3.
Variant type: single nucleotide variant.
Coding change: c.5918+8A>C on transcript NM_000051.4 (MANE Select); 8 bases into the intron after coding-DNA position 5918, A replaced by C.
Molecular consequence: intron variant.
Genome position (GRCh38, 1-based): chr11:108,310,323, A>C. VCF-style: chr11-108310323-A-C. GRCh37 (hg19) VCF-style: chr11-108181050-A-C.
Other names: c.5918+8A>C (NM_001351834.2); c.641-1252T>G (NM_001330368.2); c.*39-1252T>G (NM_001351110.2).
Identifiers: ClinVar variation 453604 (VCV000453604.58), dbSNP rs1401825950, ClinGen allele CA601723866.